The following is an entry in ClinVar:

NM_012401.4(PLXNB2):c.4608G>A (p.Glu1536=)

Gene: PLXNB2 (plexin B2; minus strand). Cytogenetic location: 22q13.33.
Variant type: single nucleotide variant.
Coding change: c.4608G>A on transcript NM_012401.4 (MANE Select); coding-DNA position 4608, G replaced by A.
Protein change: p.Glu1536=; no amino-acid change (glutamic acid 1536 retained).
Molecular consequence: synonymous variant.
Genome position (GRCh38, 1-based): chr22:50,278,635, C>T on the plus strand (G>A on the coding strand, the complement: PLXNB2 is on the minus strand). VCF-style: chr22-50278635-C-T. GRCh37 (hg19) VCF-style: chr22-50717064-C-T.
Other names: c.4845G>A, p.Glu1615= (NM_001376864.1); c.4677G>A, p.Glu1559= (NM_001376865.1); c.4608G>A, p.Glu1536= (NM_001376866.1, NM_001376867.1, NM_001376868.1 and 14 more transcripts); c.4584G>A, p.Glu1528= (NM_001376883.1); c.4530G>A, p.Glu1510= (NM_001376884.1, NM_001376885.1); c.4515G>A, p.Glu1505= (NM_001376886.1).
Identifiers: ClinVar variation 4822056 (VCV004822056.4).

ClinVar aggregate classification (germline): Likely benign (1 of 4 stars; one submission).

gnomAD v4.1: 116 of 1,613,126 alleles (0.0072%); highest among the groups gnomAD compares: African/African-American, 0.14%; no homozygotes.

Submission:

CeGaT Center for Human Genetics Tuebingen
Classification: Likely benign. Last evaluated: 2026-02-01. Review status: criteria provided, single submitter. Criteria: CeGaT Center For Human Genetics Tuebingen Variant Classification Criteria Version 2. Collection method: clinical testing. Allele origin: germline. Affected: yes. Observed: 1 variant allele.
Comment: PLXNB2: BP4, BP7